The following is an entry in ClinVar:

ClinVar aggregate classification (germline): Uncertain significance (1 of 4 stars; one submission).

Conditions:
CTNND1-related disorder. Also called: CTNND1-related condition.

gnomAD v4.1: 3 of 1,609,922 alleles (0.00019%); highest among the groups gnomAD compares: East Asian, 0.0067%; no homozygotes.

Submission:

PreventionGenetics, part of Exact Sciences
Classification: Uncertain significance for CTNND1-related condition. Last evaluated: 2025-01-06. Review status: criteria provided, single submitter. Criteria: ACMG Guidelines, 2015. Collection method: clinical testing. Allele origin: germline.
Comment: The CTNND1 c.1874A>G variant is predicted to result in the amino acid substitution p.Lys625Arg. To our knowledge, this variant has not been reported in the literature. This variant is reported in 0.0057% of alleles in individuals of East Asian descent in gnomAD. At this time, the clinical significance of this variant is uncertain due to the absence of conclusive functional and genetic evidence.

NM_001085458.2(CTNND1):c.1874A>G (p.Lys625Arg)

Genes: CTNND1 (catenin delta 1; plus strand), TMX2-CTNND1 (TMX2-CTNND1 readthrough (NMD candidate); plus strand). Cytogenetic location: 11q12.1.
Variant type: single nucleotide variant.
Coding change: c.1874A>G on transcript NM_001085458.2 (MANE Select); coding-DNA position 1874, A replaced by G.
Protein change: p.Lys625Arg; replaces lysine 625 with arginine.
Molecular consequence: missense variant. On other transcripts: non-coding transcript variant (1).
Genome position (GRCh38, 1-based): chr11:57,806,033, A>G. VCF-style: chr11-57806033-A-G. GRCh37 (hg19) VCF-style: chr11-57573505-A-G.
Other names: c.1874A>G, p.Lys625Arg (NM_001085459.2, NM_001085460.2, NM_001085461.2 and 3 more transcripts); c.1571A>G, p.Lys524Arg (NM_001085463.2, NM_001085464.2, NM_001085465.2 and 5 more transcripts); c.1712A>G, p.Lys571Arg (NM_001206883.2, NM_001206884.2, NM_001206886.2 and 4 more transcripts); short protein forms K571R, K524R, K625R.
Identifiers: ClinVar variation 5000586 (VCV005000586.1).